The following is an entry in ClinVar:

ClinVar aggregate classification (germline): Uncertain significance (1 of 4 stars; one submission).

Conditions:
Hypertrophic cardiomyopathy. Also called: HYPERTROPHIC MYOCARDIOPATHY. Identifiers: Orphanet 217569, MedGen C0007194, MeSH D002312, MONDO:0005045, HP:0001639.

Submission:

Labcorp Genetics (formerly Invitae), Labcorp
Classification: Uncertain significance for Hypertrophic cardiomyopathy. Last evaluated: 2021-02-02. Review status: criteria provided, single submitter. Criteria: Invitae Variant Classification Sherloc (09022015). Collection method: clinical testing. Allele origin: germline.
Comment: In summary, the available evidence is currently insufficient to determine the role of this variant in disease. Therefore, it has been classified as a Variant of Uncertain Significance. Algorithms developed to predict the effect of missense changes on protein structure and function (SIFT, PolyPhen-2, Align-GVGD) all suggest that this variant is likely to be tolerated, but these predictions have not been confirmed by published functional studies and their clinical significance is uncertain. This variant has not been reported in the literature in individuals with TPM1-related conditions. This variant is not present in population databases (ExAC no frequency). This sequence change replaces valine with phenylalanine at codon 227 of the TPM1 protein (p.Val227Phe). The valine residue is moderately conserved and there is a small physicochemical difference between valine and phenylalanine.

NM_001018005.2(TPM1):c.679G>T (p.Val227Phe)

Gene: TPM1 (tropomyosin 1; plus strand). Cytogenetic location: 15q22.2.
Variant type: single nucleotide variant.
Coding change: c.679G>T on transcript NM_001018005.2 (MANE Select); coding-DNA position 679, G replaced by T.
Protein change: p.Val227Phe; replaces valine 227 with phenylalanine.
Molecular consequence: missense variant.
Genome position (GRCh38, 1-based): chr15:63,062,254, G>T. VCF-style: chr15-63062254-G-T. GRCh37 (hg19) VCF-style: chr15-63354453-G-T.
Other names: c.679G>T, p.Val227Phe (NM_000366.6, NM_001018004.2, NM_001018006.2 and 6 more transcripts); c.571G>T, p.Val191Phe (NM_001018008.2, NM_001301289.2, NM_001330344.2 and 5 more transcripts); c.805G>T, p.Val269Phe (NM_001365778.1); short protein forms V191F, V227F, V269F.
Identifiers: ClinVar variation 1368812 (VCV001368812.8), dbSNP rs1368991319, ClinGen allele CA392724472.